The following is an entry in ClinVar:

NM_001360.3(DHCR7):c.1230C>T (p.Gly410=)

Gene: DHCR7 (7-dehydrocholesterol reductase; minus strand). Cytogenetic location: 11q13.4.
Variant type: single nucleotide variant.
Coding change: c.1230C>T on transcript NM_001360.3 (MANE Select); coding-DNA position 1230, C replaced by T.
Protein change: p.Gly410=; no amino-acid change (glycine 410 retained).
Molecular consequence: synonymous variant.
Genome position (GRCh38, 1-based): chr11:71,435,573, G>A on the plus strand (C>T on the coding strand, the complement: DHCR7 is on the minus strand). VCF-style: chr11-71435573-G-A. GRCh37 (hg19) VCF-style: chr11-71146619-G-A.
Other names: c.1230C>T, p.Gly410= (NM_001163817.2).
Identifiers: ClinVar variation 2156746 (VCV002156746.6), dbSNP rs1316084875, ClinGen allele CA381701357.

ClinVar aggregate classification (germline): Likely benign. Review status: criteria provided, single submitter (1 of 4 stars). 2 submissions from 2 submitters: Likely benign (1). 1 of the submissions does not count toward it. Last evaluated 2024-01-25.

Conditions:
DHCR7-related disorder. Also called: DHCR7-related condition.
Smith-Lemli-Opitz syndrome (SLOS). Also called: POLYDACTYLY, SEX REVERSAL, RENAL HYPOPLASIA, AND UNILOBAR LUNG; RSH SYNDROME; RUTLEDGE LETHAL MULTIPLE CONGENITAL ANOMALY SYNDROME; LETHAL ACRODYSGENITAL SYNDROME; 7-Dehydrocholesterol reductase deficiency. Identifiers: Orphanet 818, MedGen C0175694, MONDO:0010035, OMIM 270400.

Allele frequency attached by ClinVar (database versions not stated): TOPMed below 0.00001; gnomAD 0.00001.
gnomAD v4.1: 4 of 1,610,728 alleles (0.00025%); highest among the groups gnomAD compares: East Asian, 0.0022%; no homozygotes.

Submissions (2):

Labcorp Genetics (formerly Invitae), Labcorp
Classification: Likely benign for Smith-Lemli-Opitz syndrome. Last evaluated: 2024-01-25. Review status: criteria provided, single submitter. Criteria: Invitae Variant Classification Sherloc (09022015). Collection method: clinical testing. Allele origin: germline.

PreventionGenetics, part of Exact Sciences
Classification: Likely benign for DHCR7-related condition. Last evaluated: 2022-01-13. Review status: no assertion criteria provided. Collection method: clinical testing. Allele origin: germline. Not counted in ClinVar's aggregate classification.
Comment: This variant is classified as likely benign based on ACMG/AMP sequence variant interpretation guidelines (Richards et al. 2015 PMID: 25741868, with internal and published modifications).